The following is an entry in ClinVar:

ClinVar aggregate classification (germline): Uncertain significance (1 of 4 stars; one submission).

Conditions:
Exostoses, multiple, type 2 (EXT2). Also called: Hereditary Multiple Osteochondromatosis, Type II; EXOSTOSES, MULTIPLE, TYPE II. Identifiers: Orphanet 321, MedGen C1851413, MONDO:0007586, OMIM 133701.

gnomAD v4.1: 11 of 1,614,210 alleles (0.00068%); highest among the groups gnomAD compares: South Asian, 0.0077%; no homozygotes.

Submission:

Labcorp Genetics (formerly Invitae), Labcorp
Classification: Uncertain significance for Exostoses, multiple, type 2. Last evaluated: 2025-02-06. Review status: criteria provided, single submitter. Criteria: Invitae Variant Classification Sherloc (09022015). Collection method: clinical testing. Allele origin: germline.
Comment: This sequence change replaces lysine, which is basic and polar, with arginine, which is basic and polar, at codon 112 of the EXT2 protein (p.Lys112Arg). This variant is present in population databases (rs761119886, gnomAD 0.01%). This variant has not been reported in the literature in individuals affected with EXT2-related conditions. Invitae Evidence Modeling of protein sequence and biophysical properties (such as structural, functional, and spatial information, amino acid conservation, physicochemical variation, residue mobility, and thermodynamic stability) indicates that this missense variant is not expected to disrupt EXT2 protein function with a negative predictive value of 95%. In summary, the available evidence is currently insufficient to determine the role of this variant in disease. Therefore, it has been classified as a Variant of Uncertain Significance.

NM_207122.2(EXT2):c.335A>G (p.Lys112Arg)

Gene: EXT2 (exostosin glycosyltransferase 2; plus strand). Cytogenetic location: 11p11.2.
Variant type: single nucleotide variant.
Coding change: c.335A>G on transcript NM_207122.2 (MANE Select); coding-DNA position 335, A replaced by G.
Protein change: p.Lys112Arg; replaces lysine 112 with arginine.
Molecular consequence: missense variant.
Genome position (GRCh38, 1-based): chr11:44,108,047, A>G. VCF-style: chr11-44108047-A-G. GRCh37 (hg19) VCF-style: chr11-44129597-A-G.
Other names: c.434A>G, p.Lys145Arg (NM_000401.3); c.335A>G, p.Lys112Arg (NM_001178083.3, NM_001389628.1, NM_001389630.1); short protein forms K112R, K145R.
Identifiers: ClinVar variation 3702696 (VCV003702696.2).